The following is an entry in ClinVar:

ClinVar aggregate classification (germline): Conflicting classifications of pathogenicity. Review status: criteria provided, conflicting classifications (1 of 4 stars). 5 submissions from 5 submitters: Uncertain significance (4); Benign (1). Last evaluated 2025-12-21.

Conditions:
Hereditary nonpolyposis colorectal neoplasms. Identifiers: MedGen C0009405, MeSH D003123.
Lynch syndrome. Identifiers: Orphanet 144, MedGen C4552100, MONDO:0005835. Disease mechanism: loss of function.
Hereditary cancer-predisposing syndrome. Also called: Hereditary Cancer Syndrome; Neoplastic Syndromes, Hereditary; Hereditary neoplastic syndrome; Tumor predisposition. Identifiers: Orphanet 140162, MedGen C0027672, MeSH D009386, MONDO:0015356.
Endometrial carcinoma. Also called: Endometrial carcinoma, somatic. Identifiers: MedGen C0476089, MONDO:0002447, OMIM 608089, HP:0012114.

Allele frequency attached by ClinVar (database versions not stated): ExAC 0.00001; gnomAD exomes 0.00001.

Submissions (5):

Labcorp Genetics (formerly Invitae), Labcorp
Classification: Benign for Hereditary nonpolyposis colorectal neoplasms. Last evaluated: 2025-12-21. Review status: criteria provided, single submitter. Criteria: Invitae Variant Classification Sherloc (09022015). Collection method: clinical testing. Allele origin: germline.

Color Diagnostics, LLC DBA Color Health
Classification: Uncertain significance for Hereditary cancer-predisposing syndrome. Last evaluated: 2025-03-25. Review status: criteria provided, single submitter. Criteria: ACMG Guidelines, 2015. Collection method: clinical testing. Allele origin: germline.
Comment: This missense variant replaces tyrosine with cysteine at codon 730 of the MSH6 protein. Computational prediction suggests that this variant may not impact protein structure and function. To our knowledge, functional studies have not been reported for this variant. This variant has been reported in an individual with ovarian cancer (PMID: 23047549). This variant has been identified in 2/250940 chromosomes in the general population by the Genome Aggregation Database (gnomAD). The available evidence is insufficient to determine the role of this variant in disease conclusively. Therefore, this variant is classified as a Variant of Uncertain Significance.

Ambry Genetics
Classification: Uncertain significance for Hereditary cancer-predisposing syndrome. Last evaluated: 2025-03-23. Review status: criteria provided, single submitter. Criteria: Ambry Variant Classification Scheme 2023. Collection method: clinical testing. Allele origin: germline.
Comment: The p.Y730C variant (also known as c.2189A>G), located in coding exon 4 of the MSH6 gene, results from an A to G substitution at nucleotide position 2189. The tyrosine at codon 730 is replaced by cysteine, an amino acid with highly dissimilar properties. This alteration was detected in 1/1893 unselected ovarian cancer patients and has an Align-GVGD score of C0 which is predicted to be less likely to impact protein function (Pal T et al. Br J Cancer. 2012; 107:1783-90). This amino acid position is not well conserved in available vertebrate species. In addition, this alteration is predicted to be tolerated by in silico analysis. Since supporting evidence is limited at this time, the clinical significance of this alteration remains unclear.

Baylor Genetics
Classification: Uncertain significance for Endometrial carcinoma. Last evaluated: 2024-03-25. Review status: criteria provided, single submitter. Criteria: ACMG Guidelines, 2015. Collection method: clinical testing. Allele origin: unknown.

All of Us Research Program, National Institutes of Health
Classification: Uncertain significance for Lynch syndrome. Last evaluated: 2023-10-02. Review status: criteria provided, single submitter. Criteria: ACMG Guidelines, 2015. Collection method: clinical testing. Allele origin: germline. Inheritance: Autosomal dominant inheritance. Observed: 2 variant alleles, 2 heterozygotes.
Comment: This missense variant replaces tyrosine with cysteine at codon 730 of the MSH6 protein. Computational prediction suggests that this variant may not impact protein structure and function (internally defined REVEL score threshold <= 0.5, PMID: 27666373). To our knowledge, functional studies have not been reported for this variant. This variant has been reported in an individual with ovarian cancer (PMID: 23047549). This variant has been identified in 2/250940 chromosomes in the general population by the Genome Aggregation Database (gnomAD). The available evidence is insufficient to determine the role of this variant in disease conclusively. Therefore, this variant is classified as a Variant of Uncertain Significance.

This study involves interpretation of variants in research participants for the purpose of population health screening. Participant phenotype was not available at the time of variant classification. Additional details can be found in publication PMID: 35346344, PMCID: PMC8962531

Literature cited by the submitters: PubMed 23047549 (cited by 3 submitters).

NM_000179.3(MSH6):c.2189A>G (p.Tyr730Cys)

Gene: MSH6 (mutS homolog 6; plus strand). Cytogenetic location: 2p16.3.
Variant type: single nucleotide variant.
Coding change: c.2189A>G on transcript NM_000179.3 (MANE Select); coding-DNA position 2189, A replaced by G.
Protein change: p.Tyr730Cys; replaces tyrosine 730 with cysteine.
Molecular consequence: missense variant.
Genome position (GRCh38, 1-based): chr2:47,800,172, A>G. VCF-style: chr2-47800172-A-G. GRCh37 (hg19) VCF-style: chr2-48027311-A-G.
Other names: c.1799A>G, p.Tyr600Cys (NM_001281492.2); c.1283A>G, p.Tyr428Cys (NM_001281493.2, NM_001281494.2); short protein forms Y730C, Y428C, Y600C.
Identifiers: ClinVar variation 143023 (VCV000143023.22), dbSNP rs587782900, ClinGen allele CA009841.